The following is an entry in ClinVar:

NM_000368.5(TSC1):c.326A>G (p.Gln109Arg)

Gene: TSC1 (TSC complex subunit 1; minus strand). Cytogenetic location: 9q34.13.
Variant type: single nucleotide variant.
Coding change: c.326A>G on transcript NM_000368.5 (MANE Select); coding-DNA position 326, A replaced by G.
Protein change: p.Gln109Arg; replaces glutamine 109 with arginine.
Molecular consequence: missense variant. On other transcripts: 5 prime UTR variant (1), intron variant (1).
Genome position (GRCh38, 1-based): chr9:132,925,624, T>C on the plus strand (A>G on the coding strand, the complement: TSC1 is on the minus strand). VCF-style: chr9-132925624-T-C. GRCh37 (hg19) VCF-style: chr9-135801011-T-C.
Other names: c.326A>G, p.Gln109Arg (NM_001162426.2); c.-38A>G (NM_001362177.2); c.210+1577A>G (NM_001162427.2); short protein forms Q109R.
Identifiers: ClinVar variation 940364 (VCV000940364.8), dbSNP rs1846811126, ClinGen allele CA375374423.

ClinVar aggregate classification (germline): Uncertain significance. Review status: criteria provided, multiple submitters, no conflicts (2 of 4 stars). 2 submissions from 2 submitters: Uncertain significance (2). Last evaluated 2025-01-14.

Conditions:
Hereditary cancer-predisposing syndrome. Also called: Tumor predisposition; Hereditary neoplastic syndrome; Neoplastic Syndromes, Hereditary; Hereditary Cancer Syndrome. Identifiers: Orphanet 140162, MedGen C0027672, MeSH D009386, MONDO:0015356.
Tuberous sclerosis 1 (TSC1). Identifiers: Orphanet 805, MedGen C1854465, MONDO:0008612, OMIM 191100.

Allele frequency attached by ClinVar (database versions not stated): gnomAD exomes below 0.00001.
gnomAD v4.1: 4 of 1,614,226 alleles (0.00025%); highest among the groups gnomAD compares: Non-Finnish European, 0.00034%; no homozygotes.

Submissions (2):

Ambry Genetics
Classification: Uncertain significance for Hereditary cancer-predisposing syndrome. Last evaluated: 2025-01-14. Review status: criteria provided, single submitter. Criteria: Ambry Variant Classification Scheme 2023. Collection method: clinical testing. Allele origin: germline.
Comment: The p.Q109R variant (also known as c.326A>G), located in coding exon 3 of the TSC1 gene, results from an A to G substitution at nucleotide position 326. The glutamine at codon 109 is replaced by arginine, an amino acid with highly similar properties. This amino acid position is conserved. In addition, this alteration is predicted to be tolerated by in silico analysis. Based on the available evidence, the clinical significance of this variant remains unclear.

Labcorp Genetics (formerly Invitae), Labcorp
Classification: Uncertain significance for Tuberous sclerosis 1. Last evaluated: 2021-10-12. Review status: criteria provided, single submitter. Criteria: Invitae Variant Classification Sherloc (09022015). Collection method: clinical testing. Allele origin: germline.
Comment: In summary, the available evidence is currently insufficient to determine the role of this variant in disease. Therefore, it has been classified as a Variant of Uncertain Significance. Algorithms developed to predict the effect of missense changes on protein structure and function (SIFT, PolyPhen-2, Align-GVGD) all suggest that this variant is likely to be tolerated. This variant has not been reported in the literature in individuals affected with TSC1-related conditions. This variant is not present in population databases (ExAC no frequency). This sequence change replaces glutamine with arginine at codon 109 of the TSC1 protein (p.Gln109Arg). The glutamine residue is moderately conserved and there is a small physicochemical difference between glutamine and arginine.